The following is an entry in ClinVar:

ClinVar aggregate classification (germline): Uncertain significance. Review status: criteria provided, multiple submitters, no conflicts (2 of 4 stars). 5 submissions from 5 submitters: Uncertain significance (4). 1 of the submissions does not count toward it. Last evaluated 2026-09-30.

Conditions:
Usher syndrome type 1F (USH1F). Also called: USHER SYNDROME, TYPE IF. Identifiers: Orphanet 231169, Orphanet 886, MedGen C1865885, MONDO:0011186, OMIM 602083.

Allele frequency attached by ClinVar (database versions not stated): gnomAD exomes 0.00001; TOPMed below 0.00001; ExAC 0.00001.
gnomAD v4.1: 21 of 1,614,092 alleles (0.0013%); highest among the groups gnomAD compares: Non-Finnish European, 0.0017%; no homozygotes.

Submissions (5):

GeneDx
Classification: Uncertain significance. Last evaluated: 2026-09-30. Review status: criteria provided, single submitter. Criteria: GeneDx Variant Classification Process June 2021. Collection method: clinical testing. Allele origin: germline.
Comment: Not observed at significant frequency in large population cohorts (gnomAD); In silico analysis suggests that this missense variant does not alter protein structure/function; This variant is associated with the following publications: (PMID: 15537665, 38928247)

Myriad Genetics, Inc.
Classification: Uncertain significance for Usher syndrome type 1F. Last evaluated: 2025-10-20. Review status: criteria provided, single submitter. Criteria: Myriad Autosomal Dominant, Autosomal Recessive and X-Linked Classification Criteria (2023). Collection method: clinical testing. Allele origin: unknown.
Comment: NM_033056.3(PCDH15):c.1812A>C(E604D) is a missense variant classified as a variant of uncertain significance in the context of PCDH15-related disorders. E604D has been observed in a case with relevant disease (PMID: 38928247). Relevant functional assessments of this variant are not available in the literature. E604D has been observed in referenced population frequency databases. In summary, there is insufficient evidence to classify NM_033056.3(PCDH15):c.1812A>C(E604D) as pathogenic or benign. Please note: this variant was assessed in the context of healthy population screening.

Blueprint Genetics
Classification: Uncertain significance. Last evaluated: 2023-09-14. Review status: criteria provided, single submitter. Criteria: ACMG Guidelines, 2015. Collection method: clinical testing. Allele origin: germline.

Labcorp Genetics (formerly Invitae), Labcorp
Classification: Uncertain significance. Last evaluated: 2021-12-30. Review status: criteria provided, single submitter. Criteria: Invitae Variant Classification Sherloc (09022015). Collection method: clinical testing. Allele origin: germline.
Comment: This sequence change replaces glutamic acid, which is acidic and polar, with aspartic acid, which is acidic and polar, at codon 604 of the PCDH15 protein (p.Glu604Asp). This variant is present in population databases (rs771456526, gnomAD 0.0009%). This variant has not been reported in the literature in individuals affected with PCDH15-related conditions. ClinVar contains an entry for this variant (Variation ID: 947729). Algorithms developed to predict the effect of missense changes on protein structure and function are either unavailable or do not agree on the potential impact of this missense change (SIFT: "Tolerated"; PolyPhen-2: "Probably Damaging"; Align-GVGD: "Class C0"). In summary, the available evidence is currently insufficient to determine the role of this variant in disease. Therefore, it has been classified as a Variant of Uncertain Significance.

Natera, Inc.
Classification: Uncertain significance for Usher syndrome type 1F. Last evaluated: 2020-04-17. Review status: no assertion criteria provided. Collection method: clinical testing. Allele origin: germline. Not counted in ClinVar's aggregate classification.

Literature cited by the submitters: PubMed 38928247 (cited by Myriad Genetics, Inc.).

NM_001384140.1(PCDH15):c.1812A>C (p.Glu604Asp)

Gene: PCDH15 (protocadherin related 15; minus strand). Cytogenetic location: 10q21.1.
Variant type: single nucleotide variant.
Coding change: c.1812A>C on transcript NM_001384140.1 (MANE Select); coding-DNA position 1812, A replaced by C.
Protein change: p.Glu604Asp; replaces glutamic acid 604 with aspartic acid.
Molecular consequence: missense variant. On other transcripts: intron variant (1).
Genome position (GRCh38, 1-based): chr10:54,132,980, T>G on the plus strand (A>C on the coding strand, the complement: PCDH15 is on the minus strand). VCF-style: chr10-54132980-T-G. GRCh37 (hg19) VCF-style: chr10-55892740-T-G.
Other names: c.1746A>C, p.Glu582Asp (NM_001142773.2, NM_001354404.2, NM_001142768.2); c.1833A>C, p.Glu611Asp (NM_001354411.2); c.1812A>C, p.Glu604Asp (NM_001354420.2, NM_001354429.2, NM_001354430.2 and 5 more transcripts); c.1784+20120A>C (NM_001142765.2); c.1827A>C, p.Glu609Asp (NM_001142763.2, NM_001142771.2); c.1701A>C, p.Glu567Asp (NM_001142767.2); c.1848A>C, p.Glu616Asp (NM_001142769.4); short protein forms E582D, E604D, E609D, E616D, E567D, E611D.
Identifiers: ClinVar variation 947729 (VCV000947729.9), dbSNP rs771456526, ClinGen allele CA5506250.